The following is an entry in ClinVar:

ClinVar aggregate classification (germline): Benign (1 of 4 stars; one submission).

Conditions:
Succinyl-CoA acetoacetate transferase deficiency (SCOTD). Also called: 3-Oxoacid CoA Transferase Deficiency; KETOACIDOSIS DUE TO SCOT DEFICIENCY; SCOT DEFICIENCY; SUCCINYL-CoA:3-KETOACID CoA-TRANSFERASE DEFICIENCY; Succinyl CoA:3-oxoacid CoA transferase deficiency. Identifiers: Orphanet 832, MedGen C0342792, MONDO:0009492, OMIM 245050.

Allele frequency attached by ClinVar (database versions not stated): TOPMed 0.00018; gnomAD 0.00019 and 0.00036; 1000 Genomes Project 30x 0.00437; 1000 Genomes Project 0.00539.

Submission:

Illumina Laboratory Services, Illumina
Classification: Benign for Succinyl-CoA acetoacetate transferase deficiency. Last evaluated: 2018-01-12. Review status: criteria provided, single submitter. Criteria: ICSL Variant Classification Criteria 13 December 2019. Collection method: clinical testing. Allele origin: germline.
Comment: This variant was observed in the ICSL laboratory as part of a predisposition screen in an ostensibly healthy population. It had not been previously curated by ICSL or reported in the Human Gene Mutation Database (HGMD: prior to June 1st, 2018), and was therefore a candidate for classification through an automated scoring system. Utilizing variant allele frequency, disease prevalence and penetrance estimates, and inheritance mode, an automated score was calculated to assess if this variant is too frequent to cause the disease. Based on the score and internal cut-off values, a variant classified as benign is not then subjected to further curation. The score for this variant resulted in a classification of benign for this disease.

NM_000436.4(OXCT1):c.*935A>G

Gene: OXCT1 (3-oxoacid CoA-transferase 1; minus strand). Cytogenetic location: 5p13.1.
Variant type: single nucleotide variant.
Coding change: c.*935A>G on transcript NM_000436.4 (MANE Select); 935 bases downstream of the stop codon, A replaced by G.
Molecular consequence: 3 prime UTR variant. On other transcripts: non-coding transcript variant (1).
Genome position (GRCh38, 1-based): chr5:41,730,794, T>C on the plus strand (A>G on the coding strand, the complement: OXCT1 is on the minus strand). VCF-style: chr5-41730794-T-C. GRCh37 (hg19) VCF-style: chr5-41730896-T-C.
Other names: c.*935A>G (NM_001364299.2, NM_001364300.2, NM_001364301.2 and 2 more transcripts).
Identifiers: ClinVar variation 353650 (VCV000353650.5), dbSNP rs184393125, ClinGen allele CA10620453.